The following is an entry in ClinVar:

NM_000465.4(BARD1):c.1046A>G (p.Lys349Arg)

Gene: BARD1 (BRCA1 associated RING domain 1; minus strand). Cytogenetic location: 2q35.
Variant type: single nucleotide variant.
Coding change: c.1046A>G on transcript NM_000465.4 (MANE Select); coding-DNA position 1046, A replaced by G.
Protein change: p.Lys349Arg; replaces lysine 349 with arginine.
Molecular consequence: missense variant. On other transcripts: non-coding transcript variant (2), intron variant (3).
Genome position (GRCh38, 1-based): chr2:214,780,828, T>C on the plus strand (A>G on the coding strand, the complement: BARD1 is on the minus strand). VCF-style: chr2-214780828-T-C. GRCh37 (hg19) VCF-style: chr2-215645552-T-C.
Other names: c.989A>G, p.Lys330Arg (NM_001282543.2); c.159-28273A>G (NM_001282548.2); c.215+16233A>G (NM_001282545.2); c.364+11469A>G (NM_001282549.2); short protein forms K349R, K330R.
Identifiers: ClinVar variation 185570 (VCV000185570.23), dbSNP rs786202282, ClinGen allele CA192295.

ClinVar aggregate classification (germline): Uncertain significance. Review status: criteria provided, multiple submitters, no conflicts (2 of 4 stars). 6 submissions from 6 submitters: Uncertain significance (6). Last evaluated 2025-05-05.

Conditions:
Hereditary cancer-predisposing syndrome. Also called: Hereditary neoplastic syndrome; Neoplastic Syndromes, Hereditary; Tumor predisposition; Hereditary Cancer Syndrome. Identifiers: Orphanet 140162, MedGen C0027672, MeSH D009386, MONDO:0015356.
Familial cancer of breast. Also called: BREAST CANCER, FAMILIAL; Hereditary breast cancer; hereditary breast carcinoma. Identifiers: Orphanet 227535, MedGen C0346153, MONDO:0016419, OMIM 114480. Disease mechanism: loss of function.

Allele frequency attached by ClinVar (database versions not stated): gnomAD 0.00001; TOPMed 0.00001.
gnomAD v4.1: 1 of 1,614,032 alleles (0.000062%); highest among the groups gnomAD compares: Admixed American, 0.0017%; no homozygotes.

Submissions (6):

Labcorp Genetics (formerly Invitae), Labcorp
Classification: Uncertain significance for Familial cancer of breast. Last evaluated: 2025-05-05. Review status: criteria provided, single submitter. Criteria: Invitae Variant Classification Sherloc (09022015). Collection method: clinical testing. Allele origin: germline.
Comment: This sequence change replaces lysine, which is basic and polar, with arginine, which is basic and polar, at codon 349 of the BARD1 protein (p.Lys349Arg). This variant is not present in population databases (gnomAD no frequency). This variant has not been reported in the literature in individuals affected with BARD1-related conditions. ClinVar contains an entry for this variant (Variation ID: 185570). An algorithm developed to predict the effect of missense changes on protein structure and function outputs the following: PolyPhen-2: "Benign". The arginine amino acid residue is found in multiple mammalian species, which suggests that this missense change does not adversely affect protein function. In summary, the available evidence is currently insufficient to determine the role of this variant in disease. Therefore, it has been classified as a Variant of Uncertain Significance.

GeneDx
Classification: Uncertain significance. Last evaluated: 2024-01-03. Review status: criteria provided, single submitter. Criteria: GeneDx Variant Classification Process June 2021. Collection method: clinical testing. Allele origin: germline. Affected: yes.
Comment: Not observed at significant frequency in large population cohorts (gnomAD); In silico analysis supports that this missense variant does not alter protein structure/function; Has not been previously published as pathogenic or benign to our knowledge

Ambry Genetics
Classification: Uncertain significance for Hereditary cancer-predisposing syndrome. Last evaluated: 2024-01-01. Review status: criteria provided, single submitter. Criteria: Ambry Variant Classification Scheme 2023. Collection method: clinical testing. Allele origin: germline.
Comment: The p.K349R variant (also known as c.1046A>G), located in coding exon 4 of the BARD1 gene, results from an A to G substitution at nucleotide position 1046. The lysine at codon 349 is replaced by arginine, an amino acid with highly similar properties. This amino acid position is poorly conserved in available vertebrate species. In addition, this alteration is predicted to be tolerated by in silico analysis. Since supporting evidence is limited at this time, the clinical significance of this alteration remains unclear.

Color Diagnostics, LLC DBA Color Health
Classification: Uncertain significance for Hereditary cancer-predisposing syndrome. Last evaluated: 2023-12-08. Review status: criteria provided, single submitter. Criteria: ACMG Guidelines, 2015. Collection method: clinical testing. Allele origin: germline.
Comment: This missense variant replaces lysine with arginine at codon 349 of the BARD1 protein. Computational prediction suggests that this variant may not impact protein structure and function (internally defined REVEL score threshold <= 0.5, PMID: 27666373). To our knowledge, functional studies have not been reported for this variant. This variant has not been reported in individuals affected with BARD1-related disorders in the literature. This variant has not been identified in the general population by the Genome Aggregation Database (gnomAD). The available evidence is insufficient to determine the role of this variant in disease conclusively. Therefore, this variant is classified as a Variant of Uncertain Significance.

Sema4
Classification: Uncertain significance for Hereditary cancer-predisposing syndrome. Last evaluated: 2021-12-05. Review status: criteria provided, single submitter. Criteria: Sema4 Curation Guidelines. Collection method: curation. Allele origin: germline.
Comment: The BARD1 c.1046A>G (p.K349R) variant has not been reported in the literature to our knowledge. It was not observed in the large and broad cohorts of the Genome Aggregation Database. The variant has been reported in ClinVar (Variation ID 185570). In silico tools suggest the impact of the variant on protein function is benign, though these predictions have not been confirmed by functional studies. The evidence is insufficient to meet ACMG/AMP criteria for classifying the variant as benign or pathogenic. Thus, the clinical significance of this variant is currently uncertain.

Quest Diagnostics Nichols Institute San Juan Capistrano
Classification: Uncertain significance. Last evaluated: 2018-03-16. Review status: criteria provided, single submitter. Criteria: Quest Diagnostics criteria. Collection method: clinical testing. Allele origin: germline.